The following is an entry in ClinVar:

ClinVar aggregate classification (germline): Uncertain significance (1 of 4 stars; one submission).

Conditions:
Dilated cardiomyopathy 1II (CMD1II). Identifiers: Orphanet 154, MedGen C3554649, MONDO:0014073, OMIM 615184.

Submission:

Labcorp Genetics (formerly Invitae), Labcorp
Classification: Uncertain significance for Dilated cardiomyopathy 1II. Last evaluated: 2025-09-02. Review status: criteria provided, single submitter. Criteria: Invitae Variant Classification Sherloc (09022015). Collection method: clinical testing. Allele origin: germline.
Comment: This sequence change replaces phenylalanine, which is neutral and non-polar, with valine, which is neutral and non-polar, at codon 118 of the CRYAB protein (p.Phe118Val). This variant is not present in population databases (gnomAD no frequency). This variant has not been reported in the literature in individuals affected with CRYAB-related conditions. ClinVar contains an entry for this variant (Variation ID: 2906265). An algorithm developed to predict the effect of missense changes on protein structure and function (PolyPhen-2) suggests that this variant is likely to be disruptive. In summary, the available evidence is currently insufficient to determine the role of this variant in disease. Therefore, it has been classified as a Variant of Uncertain Significance.

NM_001289808.2(CRYAB):c.352T>G (p.Phe118Val)

Gene: CRYAB (crystallin alpha B; minus strand). Cytogenetic location: 11q23.1.
Variant type: single nucleotide variant.
Coding change: c.352T>G on transcript NM_001289808.2 (MANE Select); coding-DNA position 352, T replaced by G.
Protein change: p.Phe118Val; replaces phenylalanine 118 with valine.
Molecular consequence: missense variant.
Genome position (GRCh38, 1-based): chr11:111,908,940, A>C on the plus strand (T>G on the coding strand, the complement: CRYAB is on the minus strand). VCF-style: chr11-111908940-A-C. GRCh37 (hg19) VCF-style: chr11-111779664-A-C.
Other names: c.352T>G, p.Phe118Val (NM_001289807.1, NM_001368245.1, NM_001885.3); c.151T>G, p.Phe51Val (NM_001330379.1, NM_001368246.1); short protein forms F118V, F51V.
Identifiers: ClinVar variation 2906265 (VCV002906265.3), dbSNP rs2497875547, ClinGen allele CA382596639.